The following is an entry in ClinVar:

ClinVar aggregate classification (germline): Pathogenic/Likely pathogenic. Review status: criteria provided, multiple submitters, no conflicts (2 of 4 stars). 4 submissions from 4 submitters: Pathogenic (1); Likely pathogenic (3). Last evaluated 2026-07-01.

Conditions:
CEP164-related disorder. Also called: CEP164-related condition.
Nephronophthisis 15 (NPHP15). Identifiers: Orphanet 3156, MedGen C3541853, MONDO:0013917, OMIM 614845.

Submissions (4):

PreventionGenetics, part of Exact Sciences
Classification: Likely pathogenic for CEP164-related condition. Last evaluated: 2026-07-01. Review status: criteria provided, single submitter. Criteria: ACMG Guidelines, 2015. Collection method: clinical testing. Allele origin: germline.
Comment: The CEP164 c.4006_4025del20 variant is predicted to result in a frameshift and premature protein termination (p.Trp1336Glnfs*47). To our knowledge, this variant has not been reported in the literature in individuals with CEP164-related disease. This variant is reported in 0.00089% of alleles in individuals of European (Non-Finnish) descent in gnomAD. Frameshift variants in CEP164 are expected to be pathogenic. This variant is interpreted as likely pathogenic.

Labcorp Genetics (formerly Invitae), Labcorp
Classification: Pathogenic for Nephronophthisis 15. Last evaluated: 2025-07-21. Review status: criteria provided, single submitter. Criteria: Invitae Variant Classification Sherloc (09022015). Collection method: clinical testing. Allele origin: germline.
Comment: This sequence change creates a premature translational stop signal (p.Trp1336Glnfs*47) in the CEP164 gene. It is expected to result in an absent or disrupted protein product. Loss-of-function variants in CEP164 are known to be pathogenic (PMID: 22863007, 28125082, 32367404, 34132027, 34499853). This variant is present in population databases (rs771312858, gnomAD 0.0009%). This variant has not been reported in the literature in individuals affected with CEP164-related conditions. ClinVar contains an entry for this variant (Variation ID: 2900023). For these reasons, this variant has been classified as Pathogenic.

Fulgent Genetics
Classification: Likely pathogenic for Nephronophthisis 15. Last evaluated: 2024-05-16. Review status: criteria provided, single submitter. Criteria: ACMG Guidelines, 2015. Collection method: clinical testing. Allele origin: germline.

Blueprint Genetics
Classification: Likely pathogenic for CEP164-related disorders. Last evaluated: 2022-12-14. Review status: criteria provided, single submitter. Criteria: ACMG Guidelines, 2015. Collection method: clinical testing. Allele origin: germline. Affected: yes. Observed: 4 variant alleles.

Literature cited by the submitters: PubMed 22863007 (cited by Labcorp Genetics (formerly Invitae), Labcorp); PubMed 28125082 (cited by Labcorp Genetics (formerly Invitae), Labcorp); PubMed 32367404 (cited by Labcorp Genetics (formerly Invitae), Labcorp); PubMed 34132027 (cited by Labcorp Genetics (formerly Invitae), Labcorp); PubMed 34499853 (cited by Labcorp Genetics (formerly Invitae), Labcorp).

NM_014956.5(CEP164):c.4006_4025del (p.Trp1336fs)

Gene: CEP164 (centrosomal protein 164; plus strand). Cytogenetic location: 11q23.3.
Variant type: Deletion.
Coding change: c.4006_4025del on transcript NM_014956.5 (MANE Select); coding-DNA positions 4006 to 4025, 20 bases deleted (TGGGATTCAGGGCAGGGGCC).
Protein change: p.Trp1336fs; shifts the reading frame from tryptophan 1336.
Molecular consequence: frameshift variant.
Genome position (GRCh38, 1-based): chr11:117,409,875-117,409,894, TGGGATTCAGGGCAGGGGCC deleted; deleting any 20 consecutive bases within chr11:117,409,870-117,409,894 gives the same sequence; the c. name uses the placement nearest the transcript's 3' end. VCF-style (leftmost placement, unchanged base first): chr11-117409869-TGGGCCTGGGATTCAGGGCAG-T. GRCh37 (hg19) VCF-style: chr11-117280585-TGGGCCTGGGATTCAGGGCAG-T.
Other names: c.3991_4010del, p.Trp1331fs (NM_001271933.2); c.4006_4025del20 (NM_014956.4); short protein forms W1331fs, W1336fs.
Identifiers: ClinVar variation 2900023 (VCV002900023.6), dbSNP rs771312858, ClinGen allele CA6295643.
Genomic context (GRCh38, chr11:117,409,869, plus strand): 5'-TACTATGGCTCCCTGGCCAGGTTCTCAGCCTTATCATCTGCTACACCCACGTCCACCCAA[TGGGCCTGGGATTCAGGGCAG>T]GGGCCCAGGCTCCCCTCCTCTGTGGCTCAAACGGTGGACGACTTCCTGTTGGAGAAGTGG-3'